The following is an entry in ClinVar:

NM_182914.3(SYNE2):c.8900T>C (p.Leu2967Pro)

Gene: SYNE2 (spectrin repeat containing nuclear envelope protein 2; plus strand). Cytogenetic location: 14q23.2.
Variant type: single nucleotide variant.
Coding change: c.8900T>C on transcript NM_182914.3 (MANE Select); coding-DNA position 8900, T replaced by C.
Protein change: p.Leu2967Pro; replaces leucine 2967 with proline.
Molecular consequence: missense variant.
Genome position (GRCh38, 1-based): chr14:64,052,813, T>C. VCF-style: chr14-64052813-T-C. GRCh37 (hg19) VCF-style: chr14-64519531-T-C.
Other names: c.8900T>C, p.Leu2967Pro (NM_015180.6); short protein forms L2967P.
Identifiers: ClinVar variation 2918192 (VCV002918192.3), dbSNP rs762753918, ClinGen allele CA7221184.

ClinVar aggregate classification (germline): Uncertain significance (1 of 4 stars; one submission).

Conditions:
Emery-Dreifuss muscular dystrophy 5, autosomal dominant (EDMD5). Also called: EMERY-DREIFUSS MUSCULAR DYSTROPHY 5. Identifiers: Orphanet 261, MedGen C2751805, MONDO:0013072, OMIM 612999.

Allele frequency attached by ClinVar (database versions not stated): gnomAD exomes below 0.00001; ExAC 0.00001; gnomAD 0.00001; TOPMed 0.00002.
gnomAD v4.1: 7 of 1,612,434 alleles (0.00043%); highest among the groups gnomAD compares: Admixed American, 0.0017%; no homozygotes.

Submission:

Labcorp Genetics (formerly Invitae), Labcorp
Classification: Uncertain significance for Emery-Dreifuss muscular dystrophy 5, autosomal dominant. Last evaluated: 2023-07-10. Review status: criteria provided, single submitter. Criteria: Invitae Variant Classification Sherloc (09022015). Collection method: clinical testing. Allele origin: germline.
Comment: This sequence change replaces leucine, which is neutral and non-polar, with proline, which is neutral and non-polar, at codon 2967 of the SYNE2 protein (p.Leu2967Pro). This variant is present in population databases (rs762753918, gnomAD 0.003%). This variant has not been reported in the literature in individuals affected with SYNE2-related conditions. Algorithms developed to predict the effect of missense changes on protein structure and function output the following: SIFT: "Not Available"; PolyPhen-2: "Benign"; Align-GVGD: "Not Available". The proline amino acid residue is found in multiple mammalian species, which suggests that this missense change does not adversely affect protein function. In summary, the available evidence is currently insufficient to determine the role of this variant in disease. Therefore, it has been classified as a Variant of Uncertain Significance.